The following is an entry in ClinVar:

NM_000260.4(MYO7A):c.1868G>T (p.Arg623Leu)

Gene: MYO7A (myosin VIIA; plus strand). Cytogenetic location: 11q13.5.
Variant type: single nucleotide variant.
Coding change: c.1868G>T on transcript NM_000260.4 (MANE Select); coding-DNA position 1868, G replaced by T.
Protein change: p.Arg623Leu; replaces arginine 623 with leucine.
Molecular consequence: missense variant.
Genome position (GRCh38, 1-based): chr11:77,172,818, G>T. VCF-style: chr11-77172818-G-T. GRCh37 (hg19) VCF-style: chr11-76883864-G-T.
Other names: c.1868G>T, p.Arg623Leu (NM_001127180.2); c.1835G>T, p.Arg612Leu (NM_001369365.1); short protein forms R623L, R612L.
Identifiers: ClinVar variation 848327 (VCV000848327.14), dbSNP rs111033416, ClinGen allele CA6197632.
Genomic context (GRCh38, chr11:77,172,818, plus strand): 5'-CCAGGAAGCGCTCGCCCACACTTAGCAGCCAGTTCAAGCGGTCACTGGAGCTGCTGATGC[G>T]CACGCTGGGTGCCTGCCAGCCCTTCTTTGTGCGATGCATCAAGCCCAATGAGTTCAAGAA-3'
Protein context (NP_000251.3, residues 613-633): QFKRSLELLM[Arg623Leu]TLGACQPFFV

ClinVar aggregate classification (germline): Uncertain significance. Review status: criteria provided, multiple submitters, no conflicts (2 of 4 stars). 5 submissions from 5 submitters: Uncertain significance (4). 1 of the submissions does not count toward it. Last evaluated 2026-06-22.

Conditions:
MYO7A-related disorder. Also called: MYO7A-related disorders.
Usher syndrome type 1B (USH1B). Also called: Usher syndrome type IB. Identifiers: MedGen C1848638, MONDO:0700087.

Allele frequency attached by ClinVar (database versions not stated): TOPMed 0.00004; 1000 Genomes Project 30x 0.00047.
gnomAD v4.1: 51 of 1,553,612 alleles (0.0033%); highest among the groups gnomAD compares: Admixed American, 0.074%; no homozygotes.

Submissions (5):

PreventionGenetics, part of Exact Sciences
Classification: Uncertain significance for MYO7A-related condition. Last evaluated: 2026-06-22. Review status: criteria provided, single submitter. Criteria: ACMG Guidelines, 2015. Collection method: clinical testing. Allele origin: germline.
Comment: The MYO7A c.1868G>T variant is predicted to result in the amino acid substitution p.Arg623Leu. To our knowledge, this variant has not been reported in the literature. This variant is reported in 0.027% of alleles in individuals of Latino descent in gnomAD v2.1.1, including 51 heterozygotes in gnomAD v4.0.0. At this time, the clinical significance of this variant is uncertain due to the absence of conclusive functional and genetic evidence.

GeneDx
Classification: Uncertain significance. Last evaluated: 2025-07-17. Review status: criteria provided, single submitter. Criteria: GeneDx Variant Classification Process June 2021. Collection method: clinical testing. Allele origin: germline. Affected: yes.
Comment: In silico analysis supports that this missense variant has a deleterious effect on protein structure/function; Has not been previously published as pathogenic or benign to our knowledge

Labcorp Genetics (formerly Invitae), Labcorp
Classification: Uncertain significance. Last evaluated: 2025-04-23. Review status: criteria provided, single submitter. Criteria: Invitae Variant Classification Sherloc (09022015). Collection method: clinical testing. Allele origin: germline.
Comment: This sequence change replaces arginine, which is basic and polar, with leucine, which is neutral and non-polar, at codon 623 of the MYO7A protein (p.Arg623Leu). This variant is present in population databases (rs111033416, gnomAD 0.02%), including at least one homozygous and/or hemizygous individual. This variant has not been reported in the literature in individuals affected with MYO7A-related conditions. ClinVar contains an entry for this variant (Variation ID: 848327). Invitae Evidence Modeling of protein sequence and biophysical properties (such as structural, functional, and spatial information, amino acid conservation, physicochemical variation, residue mobility, and thermodynamic stability) has been performed for this missense variant. However, the output from this modeling did not meet the statistical confidence thresholds required to predict the impact of this variant on MYO7A protein function. In summary, the available evidence is currently insufficient to determine the role of this variant in disease. Therefore, it has been classified as a Variant of Uncertain Significance.

Blueprint Genetics
Classification: Uncertain significance. Last evaluated: 2022-07-26. Review status: criteria provided, single submitter. Criteria: ACMG Guidelines, 2015. Collection method: clinical testing. Allele origin: germline.

Natera, Inc.
Classification: Uncertain significance for Usher syndrome type 1B. Last evaluated: 2020-01-24. Review status: no assertion criteria provided. Collection method: clinical testing. Allele origin: germline. Not counted in ClinVar's aggregate classification.